The following is an entry in ClinVar:

ClinVar aggregate classification (germline): Pathogenic (1 of 4 stars; one submission).

Conditions:
Neuromuscular disease caused by qualitative or quantitative defects of dysferlin. Also called: Qualitative or quantitative defects of dysferlin; Dysferlinopathy. Identifiers: Orphanet 207073, MedGen C2931687, MONDO:0016145.

Submission:

Labcorp Genetics (formerly Invitae), Labcorp
Classification: Pathogenic for Neuromuscular disease caused by qualitative or quantitative defects of dysferlin. Last evaluated: 2023-07-15. Review status: criteria provided, single submitter. Criteria: Invitae Variant Classification Sherloc (09022015). Collection method: clinical testing. Allele origin: germline.
Comment: For these reasons, this variant has been classified as Pathogenic. This variant has not been reported in the literature in individuals affected with DYSF-related conditions. This variant is not present in population databases (gnomAD no frequency). This sequence change creates a premature translational stop signal (p.Gly1530Alafs*12) in the DYSF gene. It is expected to result in an absent or disrupted protein product. Loss-of-function variants in DYSF are known to be pathogenic (PMID: 17698709, 20301480).

Literature cited by the submitters: PubMed 17698709; PubMed 20301480.

NM_001130987.2(DYSF):c.4706del (p.Gly1569fs)

Gene: DYSF (dysferlin; plus strand). Cytogenetic location: 2p13.2.
Variant type: Deletion.
Coding change: c.4706del on transcript NM_001130987.2 (MANE Select); coding-DNA position 4706, one base deleted (G; older notation c.4706delG).
Protein change: p.Gly1569fs; shifts the reading frame from glycine 1569.
Molecular consequence: frameshift variant.
Genome position (GRCh38, 1-based): chr2:71,656,241, G deleted; the last of 4 consecutive G bases (chr2:71,656,238-71,656,241); deleting any one gives the same sequence. VCF-style (leftmost placement, unchanged base first): chr2-71656237-CG-C. GRCh37 (hg19) VCF-style: chr2-71883367-CG-C.
Other names: c.4592del, p.Gly1531fs (NM_001130455.2); c.4547del, p.Gly1516fs (NM_001130976.2); c.4610del, p.Gly1537fs (NM_001130977.2); c.4652del, p.Gly1551fs (NM_001130978.2); c.4685del, p.Gly1562fs (NM_001130982.2); c.4655del, p.Gly1552fs (NM_001130983.2); c.4613del, p.Gly1538fs (NM_001130984.2); c.4643del, p.Gly1548fs (NM_001130985.2); and 5 more; short protein forms G1531fs, G1537fs, G1516fs, G1517fs, G1530fs, G1538fs, G1551fs, G1568fs.
Identifiers: ClinVar variation 2735397 (VCV002735397.3), dbSNP rs2546475214, ClinGen allele CA2697548254.